The following is an entry in ClinVar:

ClinVar aggregate classification (germline): Conflicting classifications of pathogenicity. Review status: criteria provided, conflicting classifications (1 of 4 stars). 3 submissions from 3 submitters: Uncertain significance (2); Likely benign (1). Last evaluated 2024-12-03.

Conditions:
Kabuki syndrome. Also called: Kabuki make-up syndrome; NIIKAWA-KUROKI SYNDROME. Identifiers: Orphanet 2322, MedGen C0796004, MONDO:0016512.
Inborn genetic diseases. Identifiers: MedGen C0950123, MeSH D030342.

Submissions (3):

GeneDx
Classification: Uncertain significance. Last evaluated: 2024-12-03. Review status: criteria provided, single submitter. Criteria: GeneDx Variant Classification Process June 2021. Collection method: clinical testing. Allele origin: germline. Affected: yes.
Comment: Not observed at significant frequency in large population cohorts (gnomAD); In silico analysis indicates that this missense variant does not alter protein structure/function; Has not been previously published as pathogenic or benign to our knowledge

Ambry Genetics
Classification: Uncertain significance for Inborn genetic diseases. Last evaluated: 2024-10-07. Review status: criteria provided, single submitter. Criteria: Ambry Variant Classification Scheme 2023. Collection method: clinical testing. Allele origin: germline.

Labcorp Genetics (formerly Invitae), Labcorp
Classification: Likely benign for Kabuki syndrome. Last evaluated: 2023-09-17. Review status: criteria provided, single submitter. Criteria: Invitae Variant Classification Sherloc (09022015). Collection method: clinical testing. Allele origin: germline.

NM_003482.4(KMT2D):c.2962G>A (p.Ala988Thr)

Gene: KMT2D (lysine methyltransferase 2D; minus strand). Cytogenetic location: 12q13.12.
Variant type: single nucleotide variant.
Coding change: c.2962G>A on transcript NM_003482.4 (MANE Select); coding-DNA position 2962, G replaced by A.
Protein change: p.Ala988Thr; replaces alanine 988 with threonine.
Molecular consequence: missense variant.
Genome position (GRCh38, 1-based): chr12:49,050,626, C>T on the plus strand (G>A on the coding strand, the complement: KMT2D is on the minus strand). VCF-style: chr12-49050626-C-T. GRCh37 (hg19) VCF-style: chr12-49444409-C-T.
Other names: short protein forms A988T.
Identifiers: ClinVar variation 1949924 (VCV001949924.7), dbSNP rs2120654180, ClinGen allele CA384660292.